The following is an entry in ClinVar:

NM_003321.5(TUFM):c.922+8A>G

Gene: TUFM (Tu translation elongation factor, mitochondrial; minus strand). Cytogenetic location: 16p11.2.
Variant type: single nucleotide variant.
Coding change: c.922+8A>G on transcript NM_003321.5 (MANE Select); 8 bases into the intron after coding-DNA position 922, A replaced by G.
Molecular consequence: intron variant.
Genome position (GRCh38, 1-based): chr16:28,844,222, T>C on the plus strand (A>G on the coding strand, the complement: TUFM is on the minus strand). VCF-style: chr16-28844222-T-C. GRCh37 (hg19) VCF-style: chr16-28855543-T-C.
Other names: c.838+92A>G (NM_001365360.2).
Identifiers: ClinVar variation 516840 (VCV000516840.7), dbSNP rs760803572, ClinGen allele CA7985492.

ClinVar aggregate classification (germline): Conflicting classifications of pathogenicity. Review status: criteria provided, conflicting classifications (1 of 4 stars). 3 submissions from 3 submitters: Uncertain significance (1); Likely benign (2). Last evaluated 2025-04-03.

Conditions:
Combined oxidative phosphorylation defect type 4. Identifiers: Orphanet 254925, MedGen C1857682, MONDO:0012534, OMIM 610678.

Allele frequency attached by ClinVar (database versions not stated): gnomAD 0.00004; TOPMed 0.00005; gnomAD exomes 0.00006 and 0.00011; ExAC 0.00016.

Submissions (3):

Labcorp Genetics (formerly Invitae), Labcorp
Classification: Likely benign. Last evaluated: 2025-04-03. Review status: criteria provided, single submitter. Criteria: Invitae Variant Classification Sherloc (09022015). Collection method: clinical testing. Allele origin: germline.

GeneDx
Classification: Likely benign. Last evaluated: 2018-03-12. Review status: criteria provided, single submitter. Criteria: GeneDx Variant Classification (06012015). Collection method: clinical testing. Allele origin: germline. Affected: yes.
Comment: This variant is considered likely benign or benign based on one or more of the following criteria: it is a conservative change, it occurs at a poorly conserved position in the protein, it is predicted to be benign by multiple in silico algorithms, and/or has population frequency not consistent with disease.

Illumina Laboratory Services, Illumina
Classification: Uncertain significance for Combined oxidative phosphorylation defect type 4. Last evaluated: 2018-01-12. Review status: criteria provided, single submitter. Criteria: ICSL Variant Classification Criteria 13 December 2019. Collection method: clinical testing. Allele origin: germline.